The following is an entry in ClinVar:

NM_000388.4(CASR):c.2244_2245delinsCG (p.Ser749Ala)

Gene: CASR (calcium sensing receptor; plus strand). Cytogenetic location: 3q21.1.
Variant type: Indel.
Coding change: c.2244_2245delinsCG on transcript NM_000388.4 (MANE Select); coding-DNA positions 2244 to 2245, GT replaced by CG.
Protein change: p.Ser749Ala; replaces serine 749 with alanine.
Molecular consequence: missense variant.
Genome position (GRCh38, 1-based): chr3:122,284,198-122,284,199, GT replaced by CG. VCF-style: chr3-122284198-GT-CG. GRCh37 (hg19) VCF-style: chr3-122003045-GT-CG.
Other names: c.2274_2275delinsCG, p.Ser759Ala (NM_001178065.2); short protein forms S759A, S749A.
Identifiers: ClinVar variation 1442665 (VCV001442665.1), dbSNP rs2107650178, ClinGen allele CA2573136461.
Genomic context (GRCh38, chr3:122,284,198, plus strand): 5'-TTTCCTCTGCACCTTCATGCAGATTGTCATCTGTGTGATCTGGCTCTACACCGCGCCCCC[GT>CG]CAAGCTACCGCAACCAGGAGCTGGAGGATGAGATCATCTTCATCACGTGCCACGAGGGCT-3'
Protein context (NP_000379.3, residues 739-759): CVIWLYTAPP[Ser749Ala]SYRNQELEDE

ClinVar aggregate classification (germline): Uncertain significance (1 of 4 stars; one submission).

Conditions:
Autosomal dominant hypocalcemia 1 (HYPOC1). Also called: HYPOCALCEMIA, FAMILIAL. Identifiers: MedGen C3715128, MONDO:0011013, OMIM 601198.
Familial hypocalciuric hypercalcemia (FHH). Also called: Familial benign hypercalcemia. Identifiers: Orphanet 405, MedGen C1809471, MONDO:0018458.

Submission:

Labcorp Genetics (formerly Invitae), Labcorp
Classification: Uncertain significance for Familial hypocalciuric hypercalcemia; Autosomal dominant hypocalcemia 1. Last evaluated: 2020-11-14. Review status: criteria provided, single submitter. Criteria: Invitae Variant Classification Sherloc (09022015). Collection method: clinical testing. Allele origin: germline.
Comment: This sequence change replaces serine with alanine at codon 749 of the CASR protein (p.Ser749Ala). The serine residue is highly conserved and there is a moderate physicochemical difference between serine and alanine. This variant is present in population databases (rs778597649, ExAC 0.001%). This variant has not been reported in the literature in individuals with CASR-related conditions. Experimental studies and prediction algorithms are not available or were not evaluated, and the functional significance of this variant is currently unknown. In summary, the available evidence is currently insufficient to determine the role of this variant in disease. Therefore, it has been classified as a Variant of Uncertain Significance.